The following is an entry in ClinVar:

ClinVar aggregate classification (germline): Likely benign (1 of 4 stars; one submission).

gnomAD v4.1: 208 of 1,613,812 alleles (0.013%); highest among the groups gnomAD compares: Admixed American, 0.045%; no homozygotes.

Submission:

CeGaT Center for Human Genetics Tuebingen
Classification: Likely benign. Last evaluated: 2025-07-01. Review status: criteria provided, single submitter. Criteria: CeGaT Center For Human Genetics Tuebingen Variant Classification Criteria Version 2. Collection method: clinical testing. Allele origin: germline. Affected: yes. Observed: 1 variant allele.
Comment: GALNT4: BP4, BP7; POC1B-GALNT4: BP4, BP7

NM_003774.5(GALNT4):c.1362G>A (p.Ser454=)

Genes: GALNT4 (polypeptide N-acetylgalactosaminyltransferase 4; minus strand), POC1B (POC1 centriolar protein B; minus strand), POC1B-DUSP6 (POC1B-DUSP6 readthrough; minus strand), POC1B-GALNT4 (POC1B-GALNT4 readthrough; minus strand). Cytogenetic location: 12q21.33.
Variant type: single nucleotide variant.
Coding change: c.1362G>A on transcript NM_003774.5 (MANE Select); coding-DNA position 1362, G replaced by A.
Protein change: p.Ser454=; no amino-acid change (serine 454 retained).
Molecular consequence: synonymous variant. On other transcripts: intron variant (8).
Genome position (GRCh38, 1-based): chr12:89,523,188, C>T on the plus strand (G>A on the coding strand, the complement: GALNT4 is on the minus strand). VCF-style: chr12-89523188-C-T. GRCh37 (hg19) VCF-style: chr12-89916965-C-T.
Other names: c.1353G>A, p.Ser451= (NM_001199781.2); c.846G>A, p.Ser282= (NM_001199782.1); c.-119+1932G>A (NM_001425796.1, NM_001425773.1); c.100+1932G>A (NM_001425795.1, NM_001425794.1, NM_001425772.1 and 2 more transcripts); c.-27+1932G>A (NM_001199777.2).
Identifiers: ClinVar variation 4083859 (VCV004083859.8).
Genomic context (GRCh38, chr12:89,523,188, plus strand): 5'-CAGTGAAAGGTTAGCACCTGTGGGGTTGTTGTCAGGAGAATTATAATCTAAACATTCAGA[C>T]GAGATCCCTCTACTGCGAATAGCCCCATGCCAGCCTGGTCTATCCTCTGGAACATGTAAA-3'
Protein context (NP_003765.2, residues 444-464): WHGAIRSRGI[Ser454=]SECLDYNSPD